The following is an entry in ClinVar:

ClinVar aggregate classification (germline): Uncertain significance. Review status: criteria provided, multiple submitters, no conflicts (2 of 4 stars). 2 submissions from 2 submitters: Uncertain significance (2). Last evaluated 2023-05-08.

Conditions:
Dilated cardiomyopathy 1O (CMD1O). Also called: CARDIOMYOPATHY, DILATED, WITH VENTRICULAR TACHYCARDIA. Identifiers: Orphanet 154, MedGen C1837839, MONDO:0012062, OMIM 608569.

Allele frequency attached by ClinVar (database versions not stated): TOPMed below 0.00001; ExAC 0.00001; gnomAD 0.00001; gnomAD exomes 0.00001.
gnomAD v4.1: 15 of 1,610,794 alleles (0.00093%); highest among the groups gnomAD compares: East Asian, 0.033%; no homozygotes.

Submissions (2):

GeneDx
Classification: Uncertain significance. Last evaluated: 2023-05-08. Review status: criteria provided, single submitter. Criteria: GeneDx Variant Classification Process June 2021. Collection method: clinical testing. Allele origin: germline. Affected: yes.
Comment: Has not been previously published as pathogenic or benign to our knowledge; Not observed at significant frequency in large population cohorts (gnomAD); In silico analysis supports that this missense variant does not alter protein structure/function

Labcorp Genetics (formerly Invitae), Labcorp
Classification: Uncertain significance for Dilated cardiomyopathy 1O. Last evaluated: 2021-11-29. Review status: criteria provided, single submitter. Criteria: Invitae Variant Classification Sherloc (09022015). Collection method: clinical testing. Allele origin: germline.
Comment: In summary, the available evidence is currently insufficient to determine the role of this variant in disease. Therefore, it has been classified as a Variant of Uncertain Significance. Algorithms developed to predict the effect of missense changes on protein structure and function (SIFT, PolyPhen-2, Align-GVGD) all suggest that this variant is likely to be tolerated. ClinVar contains an entry for this variant (Variation ID: 971230). This variant has not been reported in the literature in individuals affected with ABCC9-related conditions. This variant is present in population databases (rs17846782, gnomAD 0.02%). This sequence change replaces cysteine, which is neutral and slightly polar, with arginine, which is basic and polar, at codon 1411 of the ABCC9 protein (p.Cys1411Arg).

NM_020297.4(ABCC9):c.4231T>C (p.Cys1411Arg)

Genes: ABCC9 (ATP binding cassette subfamily C member 9; minus strand), KCNJ8-AS1 (KCNJ8 antisense RNA 1; plus strand). Cytogenetic location: 12p12.1.
Variant type: single nucleotide variant.
Coding change: c.4231T>C on transcript NM_020297.4 (MANE Select); coding-DNA position 4231, T replaced by C.
Protein change: p.Cys1411Arg; replaces cysteine 1411 with arginine.
Molecular consequence: missense variant.
Genome position (GRCh38, 1-based): chr12:21,809,936, A>G on the plus strand (T>C on the coding strand, the complement: ABCC9 is on the minus strand). VCF-style: chr12-21809936-A-G. GRCh37 (hg19) VCF-style: chr12-21962870-A-G.
Other names: c.4231T>C, p.Cys1411Arg (NM_001377273.1, NM_005691.4); c.3364T>C, p.Cys1122Arg (NM_001377274.1); c.4231T>C (NM_020297.2); short protein forms C1411R, C1122R.
Identifiers: ClinVar variation 971230 (VCV000971230.8), dbSNP rs17846782, ClinGen allele CA6480896.
Genomic context (GRCh38, chr12:21,809,936, plus strand): 5'-CCATATTCTTCAGCTGAGCAATTTCTAAGGCTTCCCAGAGTCTGTCATCTGTGCATTTGC[A>G]CTCTGGATCTAAATTAAATCTGTAGGGAAAAATTAGTTAATTAGTCAATAAGTGAAAATA-3'
Protein context (NP_064693.2, residues 1401-1421): GSIRFNLDPE[Cys1411Arg]KCTDDRLWEA